The following is an entry in ClinVar:

ClinVar aggregate classification (germline): Conflicting classifications of pathogenicity. Review status: criteria provided, conflicting classifications (1 of 4 stars). 7 submissions from 7 submitters: Uncertain significance (4); Likely benign (2). 1 of the submissions does not count toward it. Last evaluated 2026-01-15.

Conditions:
Bethlem myopathy 1A. Also called: Bethlem myopathy 1; Bethlem Muscular Dystrophy; MYOPATHY, BENIGN CONGENITAL, WITH CONTRACTURES. Identifiers: Orphanet 610, MedGen CN029274, MONDO:0024530, OMIM 158810.

Allele frequency attached by ClinVar (database versions not stated): gnomAD exomes 0.00005 and 0.00018; ExAC 0.00017; ESP Exome Variant Server 0.00046; gnomAD 0.00047 and 0.00050; TOPMed 0.00080; 1000 Genomes Project 30x 0.00094; 1000 Genomes Project 0.00100.
gnomAD v4.1: 153 of 1,608,782 alleles (0.0095%); highest among the groups gnomAD compares: African/African-American, 0.16%; no homozygotes.

Submissions (7):

Labcorp Genetics (formerly Invitae), Labcorp
Classification: Likely benign for Bethlem myopathy 1A. Last evaluated: 2026-01-15. Review status: criteria provided, single submitter. Criteria: Invitae Variant Classification Sherloc (09022015). Collection method: clinical testing. Allele origin: germline.

Blueprint Genetics
Classification: Uncertain significance. Last evaluated: 2024-08-12. Review status: criteria provided, single submitter. Criteria: ACMG Guidelines, 2015. Collection method: clinical testing. Allele origin: germline.

GeneDx
Classification: Uncertain significance. Last evaluated: 2022-12-28. Review status: criteria provided, single submitter. Criteria: GeneDx Variant Classification Process June 2021. Collection method: clinical testing. Allele origin: germline. Affected: yes.
Comment: Identified in a patient with limb girdle muscular dystrophy (Nallamilli et al., 2018); In silico analysis supports that this missense variant does not alter protein structure/function; This variant is associated with the following publications: (PMID: 30564623)

Women's Health and Genetics/Laboratory Corporation of America, LabCorp
Classification: Likely benign. Last evaluated: 2022-11-04. Review status: criteria provided, single submitter. Criteria: LabCorp Variant Classification Summary - May 2015. Collection method: clinical testing. Allele origin: germline.
Comment: Variant summary: COL6A1 c.2876T>C (p.Val959Ala) results in a non-conservative amino acid change located in the Overlapping homologous superfamilies domain (IPR002035) of the encoded protein sequence. Three of five in-silico tools predict a benign effect of the variant on protein function. 4/4 computational tools predict no significant impact on normal splicing. However, these predictions have yet to be confirmed by functional studies. The variant allele was found at a frequency of 0.00018 in 247208 control chromosomes, predominantly at a frequency of 0.0022 within the African or African-American subpopulation in the gnomAD database. The observed variant frequency within African or African-American control individuals in the gnomAD database is approximately 4631 fold of the estimated maximal expected allele frequency for a pathogenic variant in COL6A1 causing Collagen Type VI-Related Disorders phenotype (4.8e-07), strongly suggesting that the variant is a benign polymorphism found primarily in populations of African or African-American origin. c.2876T>C has been reported in the literature in at-least one individual reported with a clinical suspicion for LGMD, however authors classified the variant as VUS (Nallamilli_2018). This report does not provide unequivocal conclusions about association of the variant with Collagen Type VI-Related Disorders. To our knowledge, no experimental evidence demonstrating an impact on protein function has been reported. Three clinical diagnostic laboratories have submitted clinical-significance assessments for this variant to ClinVar after 2014 and classified the variant as VUS (n=2) and likely benign (n=1). Based on the evidence outlined above, the variant was classified as likely benign.

Revvity Omics, Revvity
Classification: Uncertain significance. Last evaluated: 2022-01-10. Review status: criteria provided, single submitter. Criteria: ACMG Guidelines, 2015. Collection method: clinical testing. Allele origin: germline.

Eurofins Ntd Llc (ga)
Classification: Uncertain significance. Last evaluated: 2017-10-27. Review status: criteria provided, single submitter. Criteria: EGL Classification Definitions 2015. Collection method: clinical testing. Allele origin: germline. Observed: 3 variant alleles, 3 heterozygotes.

Zotz-Klimas Genetics Lab, MVZ Zotz Klimas
Classification: Uncertain significance for Bethlem myopathy 1A. Last evaluated: 2023-11-02. Review status: no assertion criteria provided. Collection method: clinical testing. Allele origin: germline. Affected: yes. Not counted in ClinVar's aggregate classification.

Literature cited by the submitters: PubMed 30564623 (cited by Women's Health and Genetics/Laboratory Corporation of America, LabCorp).

NM_001848.3(COL6A1):c.2876T>C (p.Val959Ala)

Gene: COL6A1 (collagen type VI alpha 1 chain; plus strand). Cytogenetic location: 21q22.3.
Variant type: single nucleotide variant.
Coding change: c.2876T>C on transcript NM_001848.3 (MANE Select); coding-DNA position 2876, T replaced by C.
Protein change: p.Val959Ala; replaces valine 959 with alanine.
Molecular consequence: missense variant.
Genome position (GRCh38, 1-based): chr21:46,003,802, T>C. VCF-style: chr21-46003802-T-C. GRCh37 (hg19) VCF-style: chr21-47423716-T-C.
Other names: short protein forms V959A.
Identifiers: ClinVar variation 452704 (VCV000452704.24), dbSNP rs144814689, ClinGen allele CA10071059.